The following is an entry in ClinVar:

ClinVar aggregate classification (germline): Uncertain significance (1 of 4 stars; one submission).

gnomAD v4.1: 1 of 1,613,880 alleles (0.000062%); highest among the groups gnomAD compares: Non-Finnish European, 0.000085%; no homozygotes.

Submission:

GeneDx
Classification: Uncertain significance. Last evaluated: 2024-05-06. Review status: criteria provided, single submitter. Criteria: GeneDx Variant Classification Process June 2021. Collection method: clinical testing. Allele origin: germline. Affected: yes.
Comment: Not observed at significant frequency in large population cohorts (gnomAD); In silico analysis supports that this missense variant has a deleterious effect on protein structure/function; Has not been previously published as pathogenic or benign to our knowledge

NM_001384140.1(PCDH15):c.2306G>A (p.Gly769Glu)

Gene: PCDH15 (protocadherin related 15; minus strand). Cytogenetic location: 10q21.1.
Variant type: single nucleotide variant.
Coding change: c.2306G>A on transcript NM_001384140.1 (MANE Select); coding-DNA position 2306, G replaced by A.
Protein change: p.Gly769Glu; replaces glycine 769 with glutamic acid.
Molecular consequence: missense variant.
Genome position (GRCh38, 1-based): chr10:54,023,112, C>T on the plus strand (G>A on the coding strand, the complement: PCDH15 is on the minus strand). VCF-style: chr10-54023112-C-T. GRCh37 (hg19) VCF-style: chr10-55782872-C-T.
Other names: c.2321G>A, p.Gly774Glu (NM_001142763.2, NM_001142771.2); c.2306G>A, p.Gly769Glu (NM_001142764.2, NM_001142766.2, NM_001142770.3 and 5 more transcripts); c.2093G>A, p.Gly698Glu (NM_001142765.2); c.2195G>A, p.Gly732Glu (NM_001142767.2); c.2240G>A, p.Gly747Glu (NM_001142768.2, NM_001142773.2, NM_001354404.2); c.2342G>A, p.Gly781Glu (NM_001142769.4); c.2327G>A, p.Gly776Glu (NM_001354411.2); short protein forms G698E, G732E, G747E, G769E, G774E, G776E, G781E.
Identifiers: ClinVar variation 3375940 (VCV003375940.1).
Genomic context (GRCh38, chr10:54,023,112, plus strand): 5'-ACAACAAGTTCATAGTAGTCCCTGACTTCTCTGTTAAGCTTCACTGCTGTGTAAATGCTC[C>T]CATTGGATGTGATACGAAAAAGATTATTAAAGTTACCCAAACTGTAGTGCACTTGACCAT-3'
Protein context (NP_001371069.1, residues 759-779): FNNLFRITSN[Gly769Glu]SIYTAVKLNR